The following is an entry in ClinVar:

ClinVar aggregate classification (germline): Conflicting classifications of pathogenicity. Review status: criteria provided, conflicting classifications (1 of 4 stars). 7 submissions from 7 submitters: Uncertain significance (6); Likely benign (1). Last evaluated 2025-08-11.

Conditions:
Inborn genetic diseases. Identifiers: MedGen C0950123, MeSH D030342.
Usher syndrome type 2. Also called: Usher Syndrome Type II. Identifiers: Orphanet 231178, MedGen C0339534, MONDO:0016484.

Allele frequency attached by ClinVar (database versions not stated): ExAC 0.00001; gnomAD exomes 0.00003 and 0.00006; gnomAD 0.00005 and 0.00006; TOPMed 0.00005.
gnomAD v4.1: 89 of 1,613,658 alleles (0.0055%); highest among the groups gnomAD compares: Non-Finnish European, 0.0073%; no homozygotes.

Submissions (7):

Labcorp Genetics (formerly Invitae), Labcorp
Classification: Likely benign. Last evaluated: 2025-08-11. Review status: criteria provided, single submitter. Criteria: Invitae Variant Classification Sherloc (09022015). Collection method: clinical testing. Allele origin: germline.

Blueprint Genetics
Classification: Uncertain significance. Last evaluated: 2024-05-15. Review status: criteria provided, single submitter. Criteria: ACMG Guidelines, 2015. Collection method: clinical testing. Allele origin: germline.

Department of Pathology and Laboratory Medicine, Sinai Health System
Classification: Uncertain significance for Usher syndrome type 2. Last evaluated: 2023-09-02. Review status: criteria provided, single submitter. Criteria: ACMG Guidelines, 2015. Collection method: research. Allele origin: germline.

GeneDx
Classification: Uncertain significance. Last evaluated: 2022-12-30. Review status: criteria provided, single submitter. Criteria: GeneDx Variant Classification Process June 2021. Collection method: clinical testing. Allele origin: germline. Affected: yes.
Comment: Not observed at significant frequency in large population cohorts (gnomAD); In silico analysis supports that this missense variant does not alter protein structure/function; Has not been previously published as pathogenic or benign to our knowledge

Ambry Genetics
Classification: Uncertain significance for Inborn genetic diseases. Last evaluated: 2021-11-15. Review status: criteria provided, single submitter. Criteria: Ambry Variant Classification Scheme 2023. Collection method: clinical testing. Allele origin: germline.

Eurofins Ntd Llc (ga)
Classification: Uncertain significance. Last evaluated: 2018-02-21. Review status: criteria provided, single submitter. Criteria: EGL ClinVar v180209 classification definitions. Collection method: clinical testing. Allele origin: germline. Observed: 1 variant allele, 1 heterozygote.

Laboratory for Molecular Medicine, Mass General Brigham Personalized Medicine
Classification: Uncertain significance. Last evaluated: 2012-10-04. Review status: criteria provided, single submitter. Criteria: LMM Criteria. Collection method: clinical testing. Allele origin: germline. Inheritance: Autosomal recessive inheritance. Observed: 1 variant allele.
Comment: The Ala5974Ser variant in GPR98 has not been reported in the literature nor prev iously identified by our laboratory. Computational analyses (biochemical amino a cid properties, conservation, AlignGVGD, PolyPhen2, and SIFT) do not provide str ong support for or against an impact to the protein. In summary, additional data is needed to determine the clinical significance of this variant.

NM_032119.4(ADGRV1):c.17920G>T (p.Ala5974Ser)

Gene: ADGRV1 (adhesion G protein-coupled receptor V1; plus strand). Cytogenetic location: 5q14.3.
Variant type: single nucleotide variant.
Coding change: c.17920G>T on transcript NM_032119.4 (MANE Select); coding-DNA position 17920, G replaced by T.
Protein change: p.Ala5974Ser; replaces alanine 5974 with serine.
Molecular consequence: missense variant. On other transcripts: non-coding transcript variant (1).
Genome position (GRCh38, 1-based): chr5:90,965,478, G>T. VCF-style: chr5-90965478-G-T. GRCh37 (hg19) VCF-style: chr5-90261295-G-T.
Other names: short protein forms A5974S.
Identifiers: ClinVar variation 46295 (VCV000046295.23), dbSNP rs397517427, ClinGen allele CA138074.